The following is an entry in ClinVar:

NM_000337.6(SGCD):c.101G>A (p.Cys34Tyr)

Gene: SGCD (sarcoglycan delta; plus strand). Cytogenetic location: 5q33.3.
Variant type: single nucleotide variant.
Coding change: c.101G>A on transcript NM_000337.6 (MANE Select); coding-DNA position 101, G replaced by A.
Protein change: p.Cys34Tyr; replaces cysteine 34 with tyrosine.
Molecular consequence: missense variant.
Genome position (GRCh38, 1-based): chr5:156,344,586, G>A. VCF-style: chr5-156344586-G-A. GRCh37 (hg19) VCF-style: chr5-155771596-G-A.
Other names: c.98G>A, p.Cys33Tyr (NM_001128209.2); c.101G>A, p.Cys34Tyr (NM_172244.3); short protein forms C33Y, C34Y.
Identifiers: ClinVar variation 657433 (VCV000657433.10), dbSNP rs757994622, ClinGen allele CA362007692.

ClinVar aggregate classification (germline): Uncertain significance. Review status: criteria provided, multiple submitters, no conflicts (2 of 4 stars). 4 submissions from 4 submitters: Uncertain significance (4). Last evaluated 2026-03-24.

Conditions:
Inborn genetic diseases. Identifiers: MedGen C0950123, MeSH D030342.
Autosomal recessive limb-girdle muscular dystrophy type 2F (LGMDR6). Also called: MUSCULAR DYSTROPHY, LIMB-GIRDLE, AUTOSOMAL RECESSIVE 6; Muscular dystrophy limb-girdle with delta-sarcoglyan deficiency. Identifiers: Orphanet 219, MedGen C1832525, MONDO:0011028, OMIM 601287. Disease mechanism: Affects gamma-sarcoglycan and also disrupts the integrity of the entire sarcoglycan complex..

gnomAD v4.1: 1 of 1,612,360 alleles (0.000062%); highest among the groups gnomAD compares: Non-Finnish European, 0.000085%; no homozygotes.

Submissions (4):

GeneDx
Classification: Uncertain significance. Last evaluated: 2026-03-24. Review status: criteria provided, single submitter. Criteria: GeneDx Variant Classification Process June 2021. Collection method: clinical testing. Allele origin: germline.
Comment: Not observed at significant frequency in large population cohorts (gnomAD); In silico analysis supports that this missense variant has a deleterious effect on protein structure/function; Has not been previously published as pathogenic or benign to our knowledge

Myriad Genetics, Inc.
Classification: Uncertain significance for Autosomal recessive limb-girdle muscular dystrophy type 2F. Last evaluated: 2025-11-26. Review status: criteria provided, single submitter. Criteria: Myriad Autosomal Dominant, Autosomal Recessive and X-Linked Classification Criteria (2023). Collection method: clinical testing. Allele origin: unknown.
Comment: NM_000337.5(SGCD):c.101G>A(C34Y) is a missense variant classified as a variant of uncertain significance in the context of delta-sarcoglycanopathy. C34Y has not been observed in cases with relevant disease. Relevant functional assessments of this variant are not available in the literature. C34Y has been observed in referenced population frequency databases. In summary, there is insufficient evidence to classify NM_000337.5(SGCD):c.101G>A(C34Y) as pathogenic or benign. Please note: this variant was assessed in the context of healthy population screening.

Ambry Genetics
Classification: Uncertain significance for Inborn genetic diseases. Last evaluated: 2023-06-22. Review status: criteria provided, single submitter. Criteria: Ambry Variant Classification Scheme 2023. Collection method: clinical testing. Allele origin: germline.
Comment: The p.C34Y variant (also known as c.101G>A), located in coding exon 2 of the SGCD gene, results from a G to A substitution at nucleotide position 101. The cysteine at codon 34 is replaced by tyrosine, an amino acid with highly dissimilar properties. This amino acid position is conserved. In addition, this alteration is predicted to be deleterious by in silico analysis. Since supporting evidence is limited at this time, the clinical significance of this alteration remains unclear.

Labcorp Genetics (formerly Invitae), Labcorp
Classification: Uncertain significance for Autosomal recessive limb-girdle muscular dystrophy type 2F. Last evaluated: 2021-09-01. Review status: criteria provided, single submitter. Criteria: Invitae Variant Classification Sherloc (09022015). Collection method: clinical testing. Allele origin: germline.
Comment: This sequence change replaces cysteine with tyrosine at codon 34 of the SGCD protein (p.Cys34Tyr). The cysteine residue is highly conserved and there is a large physicochemical difference between cysteine and tyrosine. This variant is not present in population databases (ExAC no frequency). This variant has not been reported in the literature in individuals affected with SGCD-related conditions. Algorithms developed to predict the effect of missense changes on protein structure and function are either unavailable or do not agree on the potential impact of this missense change (SIFT: "Tolerated"; PolyPhen-2: "Probably Damaging"; Align-GVGD: "Class C0"). In summary, the available evidence is currently insufficient to determine the role of this variant in disease. Therefore, it has been classified as a Variant of Uncertain Significance.